The following is an entry in ClinVar:

NM_000059.4(BRCA2):c.7745_7751dup (p.Gly2584_Gly2585insTer)

Gene: BRCA2 (BRCA2 DNA repair associated; plus strand). Cytogenetic location: 13q13.1.
Variant type: Duplication.
Coding change: c.7745_7751dup on transcript NM_000059.4 (MANE Select); coding-DNA positions 7745 to 7751, 7 bases duplicated (CTGATGG; older notation c.7745_7751dupCTGATGG).
Protein change: p.Gly2584_Gly2585insTer.
Molecular consequence: nonsense, inframe insertion.
Genome position (GRCh38, 1-based): chr13:32,357,869-32,357,875, CTGATGG duplicated; duplicating any 7 consecutive bases within chr13:32,357,866-32,357,875 gives the same sequence; the c. name uses the placement nearest the transcript's 3' end. VCF-style (leftmost placement, unchanged base first): chr13-32357865-T-TTGGCTGA. GRCh37 (hg19) VCF-style: chr13-32932002-T-TTGGCTGA.
Identifiers: ClinVar variation 1217247 (VCV001217247.1), dbSNP rs1593920945, ClinGen allele CA2499222305.
Genomic context (GRCh38, chr13:32,357,865, plus strand): 5'-CAGTTTCACACTGAAGATTATTTTGGTAAGGAAAGTTTATGGACTGGAAAAGGAATACAG[T>TTGGCTGA]TGGCTGATGGTGGATGGCTCATACCCTCCAATGATGGAAAGGCTGGAAAAGAAGAATTTT-3'

ClinVar aggregate classification (germline): Likely pathogenic (1 of 4 stars; one submission).

Conditions:
Hereditary breast ovarian cancer syndrome. Also called: Hereditary breast and ovarian cancer; Hereditary breast and ovarian cancer syndrome (HBOC); Hereditary breast and/or ovarian cancer syndrome; BRCA1- and BRCA2-Associated Hereditary Breast and Ovarian Cancer; Hereditary breast and ovarian cancer syndrome; Breast and ovarian cancer. Identifiers: Orphanet 145, MedGen C0677776, MeSH D061325, MONDO:0003582. Disease mechanism: loss of function.

Submission:

Women's Health and Genetics/Laboratory Corporation of America, LabCorp
Classification: Likely pathogenic for Hereditary breast ovarian cancer syndrome. Last evaluated: 2021-08-15. Review status: criteria provided, single submitter. Criteria: LabCorp Variant Classification Summary - May 2015. Collection method: clinical testing. Allele origin: germline.
Comment: Variant summary: BRCA2 c.7745_7751dupCTGATGG (p.Gly2585X) results in a premature termination codon, predicted to cause a truncation of the encoded protein or absence of the protein due to nonsense mediated decay, which are commonly known mechanisms for disease. Truncations downstream of this position have been classified as pathogenic by our laboratory. The variant was absent in 251416 control chromosomes. To our knowledge, no occurrence of c.7745_7751dupCTGATGG in individuals affected with Hereditary Breast And Ovarian Cancer Syndrome and no experimental evidence demonstrating its impact on protein function have been reported. No clinical diagnostic laboratories have submitted clinical-significance assessments for this variant to ClinVar after 2014. Based on the evidence outlined above, the variant was classified as likely pathogenic.